The following is an entry in ClinVar:

NM_001286577.2(C2CD3):c.185G>C (p.Arg62Pro)

Gene: C2CD3 (C2 domain containing 3 centriole elongation regulator; minus strand). Cytogenetic location: 11q13.4.
Variant type: single nucleotide variant.
Coding change: c.185G>C on transcript NM_001286577.2 (MANE Select); coding-DNA position 185, G replaced by C.
Protein change: p.Arg62Pro; replaces arginine 62 with proline.
Molecular consequence: missense variant.
Genome position (GRCh38, 1-based): chr11:74,168,484, C>G on the plus strand (G>C on the coding strand, the complement: C2CD3 is on the minus strand). VCF-style: chr11-74168484-C-G. GRCh37 (hg19) VCF-style: chr11-73879529-C-G.
Other names: c.185G>C, p.Arg62Pro (NM_015531.6); short protein forms R62P.
Identifiers: ClinVar variation 828029 (VCV000828029.1), dbSNP rs138748539, ClinGen allele CA381825904.

ClinVar aggregate classification (germline): Uncertain significance (1 of 4 stars; one submission).

Conditions:
Orofaciodigital syndrome type 14. Also called: Orofaciodigital syndrome xiv. Identifiers: Orphanet 434179, MedGen C4706604, MONDO:0014413, OMIM 615948.

Submission:

HudsonAlpha Institute for Biotechnology
Classification: Uncertain significance for Orofaciodigital syndrome type 14. Last evaluated: 2019-12-11. Review status: criteria provided, single submitter. Criteria: ACMG Guidelines, 2015. Collection method: research. Allele origin: maternal. Observed: 1 variant allele. Study: CSER-SouthSeq.
Comment: ACMG codes: PM2, PP3, PP4